The following is an entry in ClinVar:

ClinVar aggregate classification (germline): Likely benign (0 of 4 stars; one submission).

Conditions:
HMCN1-related disorder. Also called: HMCN1-related condition.

Submission:

PreventionGenetics, part of Exact Sciences
Classification: Likely benign for HMCN1-related condition. Last evaluated: 2019-09-18. Review status: no assertion criteria provided. Collection method: clinical testing. Allele origin: germline.
Comment: This variant is classified as likely benign based on ACMG/AMP sequence variant interpretation guidelines (Richards et al. 2015 PMID: 25741868, with internal and published modifications).

NM_031935.3(HMCN1):c.9446-30TTTG[6]

Gene: HMCN1 (hemicentin 1; plus strand). Cytogenetic location: 1q31.1.
Variant type: Microsatellite.
Coding change: c.9446-30TTTG[6] on transcript NM_031935.3 (MANE Select); six copies in a row of the 4-base unit TTTG starting at c.9446-30.
Molecular consequence: intron variant.
Genome position: GRCh38 VCF-style: chr1-186088114-T-TTTTG. GRCh37 (hg19) VCF-style: chr1-186057246-T-TTTTG.
Identifiers: ClinVar variation 3049598 (VCV003049598.2), dbSNP rs368227896, ClinGen allele CA1293433.
Genomic context (GRCh38, chr1:186,088,114, plus strand): 5'-ATGCAAATGAAAAAAGTGTTCCAAATTAGCTTAATGAGGACAAATGATTTTCTTCTGTTT[T>TTTTG]TTTGTTTGTTTGTTTGTTTGTTTTTTACAGTGCCACCCAGTATTGAAGGACCTGAAAGAG-3'